The following is an entry in ClinVar:

NM_006231.4(POLE):c.1691C>T (p.Pro564Leu)

Gene: POLE (DNA polymerase epsilon, catalytic subunit; minus strand). Cytogenetic location: 12q24.33.
Variant type: single nucleotide variant.
Coding change: c.1691C>T on transcript NM_006231.4 (MANE Select); coding-DNA position 1691, C replaced by T.
Protein change: p.Pro564Leu; replaces proline 564 with leucine.
Molecular consequence: missense variant.
Genome position (GRCh38, 1-based): chr12:132,672,318, G>A on the plus strand (C>T on the coding strand, the complement: POLE is on the minus strand). VCF-style: chr12-132672318-G-A. GRCh37 (hg19) VCF-style: chr12-133248904-G-A.
Other names: short protein forms P564L.
Identifiers: ClinVar variation 664758 (VCV000664758.11), dbSNP rs1307922680, ClinGen allele CA387356414.

ClinVar aggregate classification (germline): Uncertain significance. Review status: criteria provided, multiple submitters, no conflicts (2 of 4 stars). 2 submissions from 2 submitters: Uncertain significance (2). Last evaluated 2025-07-07.

Conditions:
Hereditary cancer-predisposing syndrome. Also called: Tumor predisposition; Hereditary neoplastic syndrome; Neoplastic Syndromes, Hereditary; Hereditary Cancer Syndrome. Identifiers: Orphanet 140162, MedGen C0027672, MeSH D009386, MONDO:0015356.

Allele frequency attached by ClinVar (database versions not stated): gnomAD exomes below 0.00001; TOPMed below 0.00001; gnomAD 0.00001.
gnomAD v4.1: 3 of 1,613,584 alleles (0.00019%); highest among the groups gnomAD compares: East Asian, 0.0067%; no homozygotes.

Submissions (2):

Labcorp Genetics (formerly Invitae), Labcorp
Classification: Uncertain significance. Last evaluated: 2025-07-07. Review status: criteria provided, single submitter. Criteria: Invitae Variant Classification Sherloc (09022015). Collection method: clinical testing. Allele origin: germline.
Comment: This sequence change replaces proline, which is neutral and non-polar, with leucine, which is neutral and non-polar, at codon 564 of the POLE protein (p.Pro564Leu). This variant is present in population databases (no rsID available, gnomAD 0.006%). This variant has not been reported in the literature in individuals affected with POLE-related conditions. ClinVar contains an entry for this variant (Variation ID: 664758). Invitae Evidence Modeling of protein sequence and biophysical properties (such as structural, functional, and spatial information, amino acid conservation, physicochemical variation, residue mobility, and thermodynamic stability) has been performed for this missense variant. However, the output from this modeling did not meet the statistical confidence thresholds required to predict the impact of this variant on POLE protein function. In summary, the available evidence is currently insufficient to determine the role of this variant in disease. Therefore, it has been classified as a Variant of Uncertain Significance.

Ambry Genetics
Classification: Uncertain significance for Hereditary cancer-predisposing syndrome. Last evaluated: 2022-05-14. Review status: criteria provided, single submitter. Criteria: Ambry Variant Classification Scheme 2023. Collection method: clinical testing. Allele origin: germline.
Comment: The p.P564L variant (also known as c.1691C>T), located in coding exon 16 of the POLE gene, results from a C to T substitution at nucleotide position 1691. The proline at codon 564 is replaced by leucine, an amino acid with similar properties. This amino acid position is conserved. In addition, the in silico prediction for this alteration is inconclusive. Since supporting evidence is limited at this time, the clinical significance of this alteration remains unclear.